The following is an entry in ClinVar:

NM_000019.4(ACAT1):c.-28T>A

Gene: ACAT1 (acetyl-CoA acetyltransferase 1; plus strand). Cytogenetic location: 11q22.3.
Variant type: single nucleotide variant.
Coding change: c.-28T>A on transcript NM_000019.4 (MANE Select); 28 bases upstream of the start codon, T replaced by A.
Molecular consequence: 5 prime UTR variant.
Genome position (GRCh38, 1-based): chr11:108,121,579, T>A. VCF-style: chr11-108121579-T-A. GRCh37 (hg19) VCF-style: chr11-107992306-T-A.
Other names: c.-28T>A (LRG_1400t1).
Identifiers: ClinVar variation 302194 (VCV000302194.6), dbSNP rs36216231, ClinGen allele CA6262967.

ClinVar aggregate classification (germline): Benign. Review status: criteria provided, multiple submitters, no conflicts (2 of 4 stars). 2 submissions from 2 submitters: Benign (2). Last evaluated 2018-01-12.

Conditions:
Deficiency of acetyl-CoA acetyltransferase. Also called: Beta-ketothiolase deficiency; 3-KETOTHIOLASE DEFICIENCY; 3-OXOTHIOLASE DEFICIENCY; MITOCHONDRIAL ACETOACETYL-CoA THIOLASE DEFICIENCY. Identifiers: Orphanet 134, MedGen C1536500, MONDO:0008760, OMIM 203750. Disease mechanism: loss of function.

Allele frequency attached by ClinVar (database versions not stated): ESP Exome Variant Server 0.00134; ExAC 0.00220; gnomAD 0.00247 and 0.00281; gnomAD exomes 0.00297; TOPMed 0.00311; 1000 Genomes Project 30x 0.00781; 1000 Genomes Project 0.00799.
gnomAD v4.1: 1,816 of 1,549,206 alleles (0.12%); highest among the groups gnomAD compares: East Asian, 2.8%; 24 homozygotes.

Submissions (2):

Illumina Laboratory Services, Illumina
Classification: Benign for Deficiency of acetyl-CoA acetyltransferase. Last evaluated: 2018-01-12. Review status: criteria provided, single submitter. Criteria: ICSL Variant Classification Criteria 13 December 2019. Collection method: clinical testing. Allele origin: germline.
Comment: This variant was observed in the ICSL laboratory as part of a predisposition screen in an ostensibly healthy population. It had not been previously curated by ICSL or reported in the Human Gene Mutation Database (HGMD: prior to June 1st, 2018), and was therefore a candidate for classification through an automated scoring system. Utilizing variant allele frequency, disease prevalence and penetrance estimates, and inheritance mode, an automated score was calculated to assess if this variant is too frequent to cause the disease. Based on the score and internal cut-off values, a variant classified as benign is not then subjected to further curation. The score for this variant resulted in a classification of benign for this disease.

Breakthrough Genomics
Classification: Benign. Review status: criteria provided, single submitter. Criteria: ACMG Guidelines, 2015. Collection method: not provided. Allele origin: germline. Inheritance: Autosomal recessive inheritance. Affected: yes.